The following is an entry in ClinVar:

ClinVar aggregate classification (germline): Pathogenic (1 of 4 stars; one submission).

Conditions:
Papillon-Lefèvre syndrome (PALS). Also called: KERATOSIS PALMOPLANTARIS WITH PERIODONTOPATHIA; Papillon-Lefevre Disease. Identifiers: Orphanet 678, MedGen C0030360, MONDO:0009490, OMIM 245000.
Periodontitis, aggressive. Identifiers: MedGen C0031106, MONDO:0980757.
Haim-Munk syndrome (HMS). Also called: COCHIN JEWISH DISORDER; KERATOSIS PALMOPLANTARIS WITH PERIODONTOPATHIA AND ONYCHOGRYPOSIS. Identifiers: Orphanet 2342, MedGen C1855627, MONDO:0009491, OMIM 245010.

Submission:

Labcorp Genetics (formerly Invitae), Labcorp
Classification: Pathogenic for Haim-Munk syndrome; Periodontitis, aggressive; Papillon-Lefèvre syndrome. Last evaluated: 2022-07-19. Review status: criteria provided, single submitter. Criteria: Invitae Variant Classification Sherloc (09022015). Collection method: clinical testing. Allele origin: germline.
Comment: This sequence change creates a premature translational stop signal (p.Phe261Leufs*7) in the CTSC gene. It is expected to result in an absent or disrupted protein product. Loss-of-function variants in CTSC are known to be pathogenic (PMID: 10662808, 11106356, 11886537). For these reasons, this variant has been classified as Pathogenic. ClinVar contains an entry for this variant (Variation ID: 1352166). This variant has not been reported in the literature in individuals affected with CTSC-related conditions. This variant is not present in population databases (gnomAD no frequency).

Literature cited by the submitters: PubMed 10662808; PubMed 11106356; PubMed 11886537.

NM_001814.6(CTSC):c.783del (p.Phe261fs)

Gene: CTSC (cathepsin C; minus strand). Cytogenetic location: 11q14.2.
Variant type: Deletion.
Coding change: c.783del on transcript NM_001814.6 (MANE Select); coding-DNA position 783, one base deleted (T; older notation c.783delT).
Protein change: p.Phe261fs; shifts the reading frame from phenylalanine 261.
Molecular consequence: frameshift variant.
Genome position (GRCh38, 1-based): chr11:88,296,239, A deleted on the plus strand (T on the coding strand, the reverse complement: CTSC is on the minus strand); the first of 3 consecutive A bases (chr11:88,296,239-88,296,241); deleting any one gives the same sequence. VCF-style (leftmost placement, unchanged base first): chr11-88296238-CA-C. GRCh37 (hg19) VCF-style: chr11-88029406-CA-C.
Other names: short protein forms F261fs.
Identifiers: ClinVar variation 1352166 (VCV001352166.5), dbSNP rs2496533083, ClinGen allele CA2573147796.
Genomic context (GRCh38, chr11:88,296,238, plus strand): 5'-TTGGGGTCTGAGAATTGTTGGTTAGTATACGGATTCTCGCTTCTAGCATACCCATAGAAG[CA>C]AATGAGTAGCAGCTGCCACAGGATGCTGGCGATGAAAAAAAGACACATAATCCAAGAGAC-3'